The following is an entry in ClinVar:

NC_000001.10:g.(?_216369875)_(216424460_?)del

Gene: USH2A (usherin; minus strand). Cytogenetic location: 1q41.
Variant type: Deletion.
Identifiers: ClinVar variation 1460296 (VCV001460296.6).

ClinVar aggregate classification (germline): Pathogenic (1 of 4 stars; one submission).

Submission:

Labcorp Genetics (formerly Invitae), Labcorp
Classification: Pathogenic. Last evaluated: 2021-01-29. Review status: criteria provided, single submitter. Criteria: Invitae Variant Classification Sherloc (09022015). Collection method: clinical testing. Allele origin: germline.
Comment: This variant has not been reported in the literature in individuals with USH2A-related conditions. For these reasons, this variant has been classified as Pathogenic. The region of the USH2A gene that includes exon(s) 17 has been determined to be clinically significant (Invitae). Therefore, deletions that encompass that region are likely to disrupt protein function and cause disease. This variant is a gross deletion of the genomic region encompassing exon(s) 12-19 of the USH2A gene. This variant would be expected to be in-frame, preserving the integrity of the reading frame.